The following is an entry in ClinVar:

ClinVar aggregate classification (germline): Uncertain significance (1 of 4 stars; one submission).

Conditions:
Aortic aneurysm, familial thoracic 7 (AAT7). Also called: AORTIC DISSECTION, FAMILIAL, WITH OR WITHOUT AORTIC ANEURYSM. Identifiers: MedGen C3151077, MONDO:0013418, OMIM 613780.

Allele frequency attached by ClinVar (database versions not stated): gnomAD exomes below 0.00001.
gnomAD v4.1: 1 of 1,614,158 alleles (0.000062%); highest among the groups gnomAD compares: Admixed American, 0.0017%; no homozygotes.

Submission:

Labcorp Genetics (formerly Invitae), Labcorp
Classification: Uncertain significance for Aortic aneurysm, familial thoracic 7. Last evaluated: 2021-08-26. Review status: criteria provided, single submitter. Criteria: Invitae Variant Classification Sherloc (09022015). Collection method: clinical testing. Allele origin: germline.
Comment: This sequence change replaces glutamine with histidine at codon 1794 of the MYLK protein (p.Gln1794His). The glutamine residue is highly conserved and there is a small physicochemical difference between glutamine and histidine. This variant is not present in population databases (ExAC no frequency). This variant has not been reported in the literature in individuals affected with MYLK-related conditions. Algorithms developed to predict the effect of missense changes on protein structure and function are either unavailable or do not agree on the potential impact of this missense change (SIFT: "Deleterious"; PolyPhen-2: "Probably Damaging"; Align-GVGD: "Class C0"). In summary, the available evidence is currently insufficient to determine the role of this variant in disease. Therefore, it has been classified as a Variant of Uncertain Significance.

NM_053025.4(MYLK):c.5382A>C (p.Gln1794His)

Genes: MYLK (myosin light chain kinase; minus strand), MYLK-AS1 (MYLK antisense RNA 1; plus strand). Cytogenetic location: 3q21.1.
Variant type: single nucleotide variant.
Coding change: c.5382A>C on transcript NM_053025.4 (MANE Select); coding-DNA position 5382, A replaced by C.
Protein change: p.Gln1794His; replaces glutamine 1794 with histidine.
Molecular consequence: missense variant.
Genome position (GRCh38, 1-based): chr3:123,618,757, T>G on the plus strand (A>C on the coding strand, the complement: MYLK is on the minus strand). VCF-style: chr3-123618757-T-G. GRCh37 (hg19) VCF-style: chr3-123337604-T-G.
Other names: c.4854A>C, p.Gln1618His (NM_001321309.2); c.5175A>C, p.Gln1725His (NM_053026.4); c.5229A>C, p.Gln1743His (NM_053027.4); c.5022A>C, p.Gln1674His (NM_053028.4); c.99A>C, p.Gln33His (NM_053031.4); c.102A>C, p.Gln34His (NM_053032.4); short protein forms Q1674H, Q1618H, Q1794H, Q1743H, Q1725H, Q33H, Q34H.
Identifiers: ClinVar variation 654744 (VCV000654744.6), dbSNP rs1576311533, ClinGen allele CA354231196.